The following is an entry in ClinVar:

ClinVar aggregate classification (germline): Uncertain significance (0 of 4 stars; one submission).

Conditions:
AIRE-related disorder. Also called: AIRE-related condition.

gnomAD v4.1: 9 of 1,612,552 alleles (0.00056%); highest among the groups gnomAD compares: South Asian, 0.0088%; no homozygotes.

Submission:

PreventionGenetics, part of Exact Sciences
Classification: Uncertain significance for AIRE-related condition. Last evaluated: 2023-12-05. Review status: no assertion criteria provided. Collection method: clinical testing. Allele origin: germline.
Comment: The AIRE c.1521C>G variant is predicted to result in the amino acid substitution p.His507Gln. To our knowledge, this variant has not been reported in the literature. This variant is reported in 0.0033% of alleles in individuals of South Asian descent in gnomAD. At this time, the clinical significance of this variant is uncertain due to the absence of conclusive functional and genetic evidence.

NM_000383.4(AIRE):c.1521C>G (p.His507Gln)

Genes: AIRE (autoimmune regulator; plus strand), LOC130066813 (ATAC-STARR-seq lymphoblastoid silent region 13378; plus strand). Cytogenetic location: 21q22.3.
Variant type: single nucleotide variant.
Coding change: c.1521C>G on transcript NM_000383.4 (MANE Select); coding-DNA position 1521, C replaced by G.
Protein change: p.His507Gln; replaces histidine 507 with glutamine.
Molecular consequence: missense variant.
Genome position (GRCh38, 1-based): chr21:44,296,400, C>G. VCF-style: chr21-44296400-C-G. GRCh37 (hg19) VCF-style: chr21-45716283-C-G.
Other names: short protein forms H507Q.
Identifiers: ClinVar variation 3036805 (VCV003036805.2), dbSNP rs751968210, ClinGen allele CA10052170.